The following is an entry in ClinVar:

NM_006939.4(SOS2):c.490G>A (p.Val164Met)

Gene: SOS2 (SOS Ras/Rho guanine nucleotide exchange factor 2; minus strand). Cytogenetic location: 14q21.3.
Variant type: single nucleotide variant.
Coding change: c.490G>A on transcript NM_006939.4 (MANE Select); coding-DNA position 490, G replaced by A.
Protein change: p.Val164Met; replaces valine 164 with methionine.
Molecular consequence: missense variant.
Genome position (GRCh38, 1-based): chr14:50,199,711, C>T on the plus strand (G>A on the coding strand, the complement: SOS2 is on the minus strand). VCF-style: chr14-50199711-C-T. GRCh37 (hg19) VCF-style: chr14-50666429-C-T.
Other names: c.490G>A, p.Val164Met (NM_001411020.1); short protein forms V164M.
Identifiers: ClinVar variation 2911091 (VCV002911091.3), dbSNP rs2503185417, ClinGen allele CA389649454.

ClinVar aggregate classification (germline): Uncertain significance (1 of 4 stars; one submission).

Conditions:
Noonan syndrome 9 (NS9). Identifiers: Orphanet 648, MedGen C4225282, MONDO:0014691, OMIM 616559.

Submission:

Labcorp Genetics (formerly Invitae), Labcorp
Classification: Uncertain significance for Noonan syndrome 9. Last evaluated: 2023-09-11. Review status: criteria provided, single submitter. Criteria: Invitae Variant Classification Sherloc (09022015). Collection method: clinical testing. Allele origin: germline.
Comment: This variant has not been reported in the literature in individuals affected with SOS2-related conditions. Advanced modeling of protein sequence and biophysical properties (such as structural, functional, and spatial information, amino acid conservation, physicochemical variation, residue mobility, and thermodynamic stability) performed at Invitae indicates that this missense variant is expected to disrupt SOS2 protein function. In summary, the available evidence is currently insufficient to determine the role of this variant in disease. Therefore, it has been classified as a Variant of Uncertain Significance. This variant is not present in population databases (gnomAD no frequency). This sequence change replaces valine, which is neutral and non-polar, with methionine, which is neutral and non-polar, at codon 164 of the SOS2 protein (p.Val164Met).